The following is an entry in ClinVar:

NM_001759.4(CCND2):c.665C>T (p.Ser222Leu)

Gene: CCND2 (cyclin D2; plus strand). Cytogenetic location: 12p13.32.
Variant type: single nucleotide variant.
Coding change: c.665C>T on transcript NM_001759.4 (MANE Select); coding-DNA position 665, C replaced by T.
Protein change: p.Ser222Leu; replaces serine 222 with leucine.
Molecular consequence: missense variant.
Genome position (GRCh38, 1-based): chr12:4,288,935, C>T. VCF-style: chr12-4288935-C-T. GRCh37 (hg19) VCF-style: chr12-4398101-C-T.
Other names: short protein forms S222L.
Identifiers: ClinVar variation 2228825 (VCV002228825.4), dbSNP rs762849458, ClinGen allele CA6395289.

ClinVar aggregate classification (germline): Uncertain significance. Review status: criteria provided, multiple submitters, no conflicts (2 of 4 stars). 2 submissions from 2 submitters: Uncertain significance (2). Last evaluated 2026-07-20.

Conditions:
Inborn genetic diseases. Identifiers: MedGen C0950123, MeSH D030342.

Allele frequency attached by ClinVar (database versions not stated): ExAC 0.00001; gnomAD exomes below 0.00001.
gnomAD v4.1: 4 of 1,613,720 alleles (0.00025%); highest among the groups gnomAD compares: African/African-American, 0.0013%; no homozygotes.

Submissions (2):

Ambry Genetics
Classification: Uncertain significance for Inborn genetic diseases. Last evaluated: 2026-07-20. Review status: criteria provided, single submitter. Criteria: Ambry Variant Classification Scheme 2023. Collection method: clinical testing. Allele origin: germline.
Comment: The c.665C>T (p.S222L) alteration is located in exon 4 (coding exon 4) of the CCND2 gene. This alteration results from a C to T substitution at nucleotide position 665, causing the serine (S) at amino acid position 222 to be replaced by a leucine (L). Based on data from gnomAD, the T allele has an overall frequency of <0.001% (1/251172) total alleles studied. The highest observed frequency was 0.003% (1/30606) of South Asian alleles. Based on insufficient or conflicting evidence, the clinical significance of this alteration remains unclear.

Blueprint Genetics
Classification: Uncertain significance. Last evaluated: 2020-11-18. Review status: criteria provided, single submitter. Criteria: ACMG Guidelines, 2015. Collection method: clinical testing. Allele origin: germline.